The following is an entry in ClinVar:

NM_012452.3(TNFRSF13B):c.572dup (p.Asp191fs)

Gene: TNFRSF13B (TNF receptor superfamily member 13B; minus strand). Cytogenetic location: 17p11.2.
Variant type: Duplication.
Coding change: c.572dup on transcript NM_012452.3 (MANE Select); coding-DNA position 572, one base duplicated (A; older notation c.572dupA).
Protein change: p.Asp191fs; shifts the reading frame from aspartic acid 191.
Molecular consequence: frameshift variant.
Genome position (GRCh38, 1-based): chr17:16,940,385, T duplicated on the plus strand (A on the coding strand, the reverse complement: TNFRSF13B is on the minus strand). VCF-style (leftmost placement, unchanged base first): chr17-16940384-A-AT. GRCh37 (hg19) VCF-style: chr17-16843698-A-AT.
Other names: c.572dupA (NM_012452.2); short protein forms D191fs.
Identifiers: ClinVar variation 582925 (VCV000582925.9), dbSNP rs769165409, ClinGen allele CA8413939.

ClinVar aggregate classification (germline): Conflicting classifications of pathogenicity. Review status: criteria provided, conflicting classifications (1 of 4 stars). 2 submissions from 2 submitters: Pathogenic (1); Uncertain significance (1). Last evaluated 2024-08-29.

Conditions:
Immunodeficiency, common variable, 2 (CVID2). Also called: HYPOGAMMAGLOBULINEMIA DUE TO TACI DEFICIENCY; ANTIBODY DEFICIENCY DUE TO TACI DEFECT. Identifiers: Orphanet 1572, MedGen C3150354, MONDO:0009413, OMIM 240500.
Immunoglobulin A deficiency 2 (IGAD2). Identifiers: MedGen C1836032, MONDO:0012291, OMIM 609529.

Allele frequency attached by ClinVar (database versions not stated): TOPMed 0.00001; ExAC 0.00002; gnomAD exomes 0.00002.

Submissions (2):

Labcorp Genetics (formerly Invitae), Labcorp
Classification: Uncertain significance for Immunodeficiency, common variable, 2. Last evaluated: 2024-08-29. Review status: criteria provided, single submitter. Criteria: Invitae Variant Classification Sherloc (09022015). Collection method: clinical testing. Allele origin: germline.
Comment: This sequence change creates a premature translational stop signal (p.Asp191Glufs*46) in the TNFRSF13B gene. While this is not anticipated to result in nonsense mediated decay, it is expected to disrupt the last 103 amino acid(s) of the TNFRSF13B protein. This variant is present in population databases (rs769165409, gnomAD 0.02%). This premature translational stop signal has been observed in individual(s) with antibody deficiency (PMID: 18981294). ClinVar contains an entry for this variant (Variation ID: 582925). Experimental studies and prediction algorithms are not available or were not evaluated, and the functional significance of this variant is currently unknown. In summary, the available evidence is currently insufficient to determine the role of this variant in disease. Therefore, it has been classified as a Variant of Uncertain Significance.

Juno Genomics, Hangzhou Juno Genomics, Inc
Classification: Pathogenic for Immunodeficiency, common variable, 2; Immunoglobulin A deficiency 2. Review status: criteria provided, single submitter. Criteria: ACMG Guidelines, 2015. Collection method: clinical testing. Allele origin: germline.
Comment: Absent from controls (or at extremely low frequency if recessive) in Genome Aggregation Database.;Null variant in a gene where loss of function (LOF) is a known mechanism of disease.;For recessive disorders, detected in trans with a pathogenic variant.

Literature cited by the submitters: PubMed 18981294 (cited by Labcorp Genetics (formerly Invitae), Labcorp).